The following is an entry in ClinVar:

ClinVar aggregate classification (germline): Pathogenic (1 of 4 stars; one submission).

Conditions:
Aicardi-Goutieres syndrome 5. Identifiers: Orphanet 51, MedGen C2749659, MONDO:0013059, OMIM 612952.

Allele frequency attached by ClinVar (database versions not stated): gnomAD 0.00001; TOPMed 0.00001.
gnomAD v4.1: 1 of 1,613,938 alleles (0.000062%); highest among the groups gnomAD compares: African/African-American, 0.0013%; no homozygotes.

Submission:

Labcorp Genetics (formerly Invitae), Labcorp
Classification: Pathogenic for Aicardi-Goutieres syndrome 5. Last evaluated: 2022-08-22. Review status: criteria provided, single submitter. Criteria: Invitae Variant Classification Sherloc (09022015). Collection method: clinical testing. Allele origin: germline.
Comment: ClinVar contains an entry for this variant (Variation ID: 847483). This variant has not been reported in the literature in individuals affected with SAMHD1-related conditions. This variant is not present in population databases (gnomAD no frequency). This sequence change creates a premature translational stop signal (p.Tyr456*) in the SAMHD1 gene. It is expected to result in an absent or disrupted protein product. Loss-of-function variants in SAMHD1 are known to be pathogenic (PMID: 19525956, 22461318). For these reasons, this variant has been classified as Pathogenic. Algorithms developed to predict the effect of sequence changes on RNA splicing suggest that this variant may disrupt the consensus splice site.

Literature cited by the submitters: PubMed 19525956; PubMed 22461318.

NM_015474.4(SAMHD1):c.1368T>G (p.Tyr456Ter)

Gene: SAMHD1 (SAM and HD domain containing deoxynucleoside triphosphate triphosphohydrolase 1; minus strand). Cytogenetic location: 20q11.23.
Variant type: single nucleotide variant.
Coding change: c.1368T>G on transcript NM_015474.4 (MANE Select); coding-DNA position 1368, T replaced by G.
Protein change: p.Tyr456Ter; replaces tyrosine 456 with a stop codon.
Molecular consequence: nonsense.
Genome position (GRCh38, 1-based): chr20:36,905,406, A>C on the plus strand (T>G on the coding strand, the complement: SAMHD1 is on the minus strand). VCF-style: chr20-36905406-A-C. GRCh37 (hg19) VCF-style: chr20-35533809-A-C.
Other names: c.1368T>G, p.Tyr456Ter (NM_001363729.2, NM_001363733.2); short protein forms Y456*.
Identifiers: ClinVar variation 847483 (VCV000847483.7), dbSNP rs769561543, ClinGen allele CA408842232.